The following is an entry in ClinVar:

NM_001387430.1(SH2B1):c.890AAGGAG[1] (p.297EG[1])

Gene: SH2B1 (SH2B adaptor protein 1; plus strand). Cytogenetic location: 16p11.2.
Variant type: Microsatellite.
Coding change: c.890AAGGAG[1] on transcript NM_001387430.1 (MANE Select); one copy of the 6-base unit AAGGAG starting at c.890; the reference has two copies in a row; one copy, 6 bases deleted.
Protein change: p.297EG[1].
Molecular consequence: inframe deletion. On other transcripts: intron variant (1).
Genome position (GRCh38, 1-based): chr16:28,866,990-28,866,995, AAGGAG deleted; deleting any 6 consecutive bases within chr16:28,866,983-28,866,995 gives the same sequence; the position shown is the placement nearest the transcript's 3' end. VCF-style (leftmost placement, unchanged base first): chr16-28866982-TGAAGGA-T. GRCh37 (hg19) VCF-style: chr16-28878303-TGAAGGA-T.
Other names: c.890AAGGAG[1], p.297EG[1] (NM_001145795.2, NM_001145796.2, NM_001145797.2 and 4 more transcripts); c.-26-384_-26-379del (NM_001308294.2); c.896_901del (NM_001145795.2).
Identifiers: ClinVar variation 3351922 (VCV003351922.3).
Genomic context (GRCh38, chr16:28,866,982, plus strand): 5'-GCCTCCTTCAGGGGGAGGAGGGCAGCCTCAGTGGCAGAAGTGTCGCCTGCTGCTTCGAAG[TGAAGGA>T]GAAGGAGGAGGAGGAAGTCGCCTGGAGTTCTTTGTACCACCCAAGGTGAGGCCCCTTGGA-3'

ClinVar aggregate classification (germline): Uncertain significance. Review status: criteria provided, multiple submitters, no conflicts (2 of 4 stars). 3 submissions from 3 submitters: Uncertain significance (2). 1 of the submissions does not count toward it. Last evaluated 2025-11-17.

Conditions:
SH2B1-related disorder. Also called: SH2B1-related condition.

Submissions (3):

Labcorp Genetics (formerly Invitae), Labcorp
Classification: Uncertain significance. Last evaluated: 2025-11-17. Review status: criteria provided, single submitter. Criteria: Invitae Variant Classification Sherloc (09022015). Collection method: clinical testing. Allele origin: germline.
Comment: This variant, c.896_901del, results in the deletion of 2 amino acid(s) of the SH2B1 protein (p.Glu299_Gly300del), but otherwise preserves the integrity of the reading frame. This variant is present in population databases (rs754568358, gnomAD 0.006%). This variant has not been reported in the literature in individuals affected with SH2B1-related conditions. Experimental studies and prediction algorithms are not available or were not evaluated, and the functional significance of this variant is currently unknown. In summary, the available evidence is currently insufficient to determine the role of this variant in disease. Therefore, it has been classified as a Variant of Uncertain Significance.

Daryl Scott Lab, Baylor College of Medicine
Classification: Uncertain significance for SH2B1-related disorder. Last evaluated: 2024-01-01. Review status: criteria provided, single submitter. Criteria: ACMG Guidelines, 2015. Collection method: clinical testing. Allele origin: maternal. Observed: 1 heterozygote.
Comment: PM2

PreventionGenetics, part of Exact Sciences
Classification: Uncertain significance for SH2B1-related condition. Last evaluated: 2024-05-24. Review status: no assertion criteria provided. Collection method: clinical testing. Allele origin: germline. Not counted in ClinVar's aggregate classification.
Comment: The SH2B1 c.896_901del6 variant is predicted to result in an in-frame deletion (p.Glu299_Gly300del). To our knowledge, this variant has not been reported in the literature. This variant is reported in 0.0058% of alleles in individuals of Latino descent in gnomAD. At this time, the clinical significance of this variant is uncertain due to the absence of conclusive functional and genetic evidence.